The following is an entry in ClinVar:

NM_030665.4(RAI1):c.3478C>T (p.Arg1160Trp)

Gene: RAI1 (retinoic acid induced 1; plus strand). Cytogenetic location: 17p11.2.
Variant type: single nucleotide variant.
Coding change: c.3478C>T on transcript NM_030665.4 (MANE Select); coding-DNA position 3478, C replaced by T.
Protein change: p.Arg1160Trp; replaces arginine 1160 with tryptophan.
Molecular consequence: missense variant.
Genome position (GRCh38, 1-based): chr17:17,796,426, C>T. VCF-style: chr17-17796426-C-T. GRCh37 (hg19) VCF-style: chr17-17699740-C-T.
Other names: short protein forms R1160W.
Identifiers: ClinVar variation 972934 (VCV000972934.8), dbSNP rs761044841, ClinGen allele CA8418726.
Genomic context (GRCh38, chr17:17,796,426, plus strand): 5'-GACCAGCGCTCCATGATCCTTCGGTCACGCACCAAAACCCAGGAGATCTTCCACTCCAAG[C>T]GGCGGAGGCCCTCTGAGGGCCGGCTCCCCAACTGCCGTGCCACCAAGAAGCTCCTCGACA-3'
Protein context (NP_109590.3, residues 1150-1170): TKTQEIFHSK[Arg1160Trp]RRPSEGRLPN

ClinVar aggregate classification (germline): Uncertain significance (1 of 4 stars; one submission).

Conditions:
Smith-Magenis syndrome (SMS). Also called: CHROMOSOME 17p11.2 DELETION SYNDROME. Identifiers: Orphanet 819, MedGen C0795864, MONDO:0008434, OMIM 182290.

Allele frequency attached by ClinVar (database versions not stated): TOPMed below 0.00001; gnomAD 0.00001; gnomAD exomes 0.00001; ExAC 0.00002.
gnomAD v4.1: 16 of 1,613,356 alleles (0.00099%); highest among the groups gnomAD compares: African/African-American, 0.0013%; no homozygotes.

Submission:

Labcorp Genetics (formerly Invitae), Labcorp
Classification: Uncertain significance. Last evaluated: 2024-07-15. Review status: criteria provided, single submitter. Criteria: Invitae Variant Classification Sherloc (09022015). Collection method: clinical testing. Allele origin: germline.
Comment: This sequence change replaces arginine, which is basic and polar, with tryptophan, which is neutral and slightly polar, at codon 1160 of the RAI1 protein (p.Arg1160Trp). This variant is present in population databases (rs761044841, gnomAD 0.002%). This variant has not been reported in the literature in individuals affected with RAI1-related conditions. ClinVar contains an entry for this variant (Variation ID: 972934). Advanced modeling of protein sequence and biophysical properties (such as structural, functional, and spatial information, amino acid conservation, physicochemical variation, residue mobility, and thermodynamic stability) performed at Invitae indicates that this missense variant is expected to disrupt RAI1 protein function with a positive predictive value of 80%. In summary, the available evidence is currently insufficient to determine the role of this variant in disease. Therefore, it has been classified as a Variant of Uncertain Significance.